The following is an entry in ClinVar:

NM_001375524.1(TRRAP):c.9130G>T (p.Ala3044Ser)

Gene: TRRAP (transformation/transcription domain associated protein; plus strand). Cytogenetic location: 7q22.1.
Variant type: single nucleotide variant.
Coding change: c.9130G>T on transcript NM_001375524.1 (MANE Select); coding-DNA position 9130, G replaced by T.
Protein change: p.Ala3044Ser; replaces alanine 3044 with serine.
Molecular consequence: missense variant.
Genome position (GRCh38, 1-based): chr7:98,984,200, G>T. VCF-style: chr7-98984200-G-T. GRCh37 (hg19) VCF-style: chr7-98581823-G-T.
Other names: c.9142G>T, p.Ala3048Ser (NM_001244580.2); c.9055G>T, p.Ala3019Ser (NM_003496.4); short protein forms A3019S, A3044S, A3048S.
Identifiers: ClinVar variation 2690282 (VCV002690282.5), dbSNP rs773327749, ClinGen allele CA4361636.

ClinVar aggregate classification (germline): Uncertain significance. Review status: criteria provided, multiple submitters, no conflicts (2 of 4 stars). 2 submissions from 2 submitters: Uncertain significance (2). Last evaluated 2024-11-28.

gnomAD v4.1: 23 of 1,613,978 alleles (0.0014%); highest among the groups gnomAD compares: African/African-American, 0.004%; no homozygotes.

Submissions (2):

Labcorp Genetics (formerly Invitae), Labcorp
Classification: Uncertain significance. Last evaluated: 2024-11-28. Review status: criteria provided, single submitter. Criteria: Invitae Variant Classification Sherloc (09022015). Collection method: clinical testing. Allele origin: germline.
Comment: This sequence change replaces alanine, which is neutral and non-polar, with serine, which is neutral and polar, at codon 3019 of the TRRAP protein (p.Ala3019Ser). This variant is present in population databases (rs773327749, gnomAD 0.02%). This variant has not been reported in the literature in individuals affected with TRRAP-related conditions. ClinVar contains an entry for this variant (Variation ID: 2690282). Invitae Evidence Modeling of protein sequence and biophysical properties (such as structural, functional, and spatial information, amino acid conservation, physicochemical variation, residue mobility, and thermodynamic stability) has been performed for this missense variant. However, the output from this modeling did not meet the statistical confidence thresholds required to predict the impact of this variant on TRRAP protein function. In summary, the available evidence is currently insufficient to determine the role of this variant in disease. Therefore, it has been classified as a Variant of Uncertain Significance.

Revvity Omics, Revvity
Classification: Uncertain significance. Last evaluated: 2024-10-01. Review status: criteria provided, single submitter. Criteria: ACMG Guidelines, 2015. Collection method: clinical testing. Allele origin: germline.